The following is an entry in ClinVar:

ClinVar aggregate classification (germline): Uncertain significance (1 of 4 stars; one submission).

Conditions:
Menkes kinky-hair syndrome (MNK). Also called: Menkes Disease; Copper transport disease; Classic Menkes Disease. Identifiers: Orphanet 565, MedGen C0022716, MONDO:0010651, OMIM 309400.
Cutis laxa, X-linked (OHS). Also called: EDS IX; Occipital horn syndrome. Identifiers: Orphanet 198, MedGen C0268353, MONDO:0010572, OMIM 304150.
X-linked distal spinal muscular atrophy type 3. Also called: ATP7A-Related Distal Motor Neuropathy; SPINAL MUSCULAR ATROPHY, DISTAL, X-LINKED RECESSIVE; NEURONOPATHY, DISTAL HEREDITARY MOTOR, X-LINKED; NEUROPATHY, DISTAL HEREDITARY MOTOR, X-LINKED. Identifiers: Orphanet 139557, MedGen C1845359, MONDO:0010338, OMIM 300489.

Submission:

Labcorp Genetics (formerly Invitae), Labcorp
Classification: Uncertain significance for X-linked distal spinal muscular atrophy type 3; Cutis laxa, X-linked; Menkes kinky-hair syndrome. Last evaluated: 2025-12-01. Review status: criteria provided, single submitter. Criteria: Invitae Variant Classification Sherloc (09022015). Collection method: clinical testing. Allele origin: germline.
Comment: This sequence change replaces valine, which is neutral and non-polar, with leucine, which is neutral and non-polar, at codon 33 of the ATP7A protein (p.Val33Leu). This variant is not present in population databases (gnomAD no frequency). This variant has not been reported in the literature in individuals affected with ATP7A-related conditions. Invitae Evidence Modeling of protein sequence and biophysical properties (such as structural, functional, and spatial information, amino acid conservation, physicochemical variation, residue mobility, and thermodynamic stability) indicates that this missense variant is not expected to disrupt ATP7A protein function with a negative predictive value of 95%. In summary, the available evidence is currently insufficient to determine the role of this variant in disease. Therefore, it has been classified as a Variant of Uncertain Significance.

NM_000052.7(ATP7A):c.97G>T (p.Val33Leu)

Gene: ATP7A (ATPase copper transporting alpha; plus strand). Cytogenetic location: Xq21.1.
Variant type: single nucleotide variant.
Coding change: c.97G>T on transcript NM_000052.7 (MANE Select); coding-DNA position 97, G replaced by T.
Protein change: p.Val33Leu; replaces valine 33 with leucine.
Molecular consequence: missense variant. On other transcripts: non-coding transcript variant (1).
Genome position (GRCh38, 1-based): chrX:77,971,738, G>T. VCF-style: chrX-77971738-G-T. GRCh37 (hg19) VCF-style: chrX-77227235-G-T.
Other names: c.97G>T, p.Val33Leu (NM_001282224.2); short protein forms V33L.
Identifiers: ClinVar variation 4789434 (VCV004789434.1).